The following is an entry in ClinVar:

ClinVar aggregate classification (germline): Uncertain significance. Review status: criteria provided, multiple submitters, no conflicts (2 of 4 stars). 3 submissions from 3 submitters: Uncertain significance (3). Last evaluated 2025-02-27.

Conditions:
Hereditary cancer-predisposing syndrome. Also called: Neoplastic Syndromes, Hereditary; Tumor predisposition; Hereditary neoplastic syndrome; Hereditary Cancer Syndrome. Identifiers: Orphanet 140162, MedGen C0027672, MeSH D009386, MONDO:0015356.
Familial cancer of breast. Also called: BREAST CANCER, FAMILIAL; Hereditary breast cancer; hereditary breast carcinoma. Identifiers: Orphanet 227535, MedGen C0346153, MONDO:0016419, OMIM 114480. Disease mechanism: loss of function.

gnomAD v4.1: 1 of 1,600,468 alleles (0.000062%); highest among the groups gnomAD compares: Non-Finnish European, 0.000085%; no homozygotes.

Submissions (3):

Labcorp Genetics (formerly Invitae), Labcorp
Classification: Uncertain significance for Familial cancer of breast. Last evaluated: 2025-02-27. Review status: criteria provided, single submitter. Criteria: Invitae Variant Classification Sherloc (09022015). Collection method: clinical testing. Allele origin: germline.
Comment: This sequence change replaces proline, which is neutral and non-polar, with arginine, which is basic and polar, at codon 20 of the BARD1 protein (p.Pro20Arg). This variant is not present in population databases (gnomAD no frequency). This variant has not been reported in the literature in individuals affected with BARD1-related conditions. ClinVar contains an entry for this variant (Variation ID: 826107). An algorithm developed to predict the effect of missense changes on protein structure and function (PolyPhen-2) suggests that this variant is likely to be tolerated. In summary, the available evidence is currently insufficient to determine the role of this variant in disease. Therefore, it has been classified as a Variant of Uncertain Significance.

Baylor Genetics
Classification: Uncertain significance for Familial cancer of breast. Last evaluated: 2024-01-03. Review status: criteria provided, single submitter. Criteria: ACMG Guidelines, 2015. Collection method: clinical testing. Allele origin: unknown.

Ambry Genetics
Classification: Uncertain significance for Hereditary cancer-predisposing syndrome. Last evaluated: 2018-05-10. Review status: criteria provided, single submitter. Criteria: Ambry Variant Classification Scheme 2023. Collection method: clinical testing. Allele origin: germline.
Comment: The p.P20R variant (also known as c.59C>G), located in coding exon 1 of the BARD1 gene, results from a C to G substitution at nucleotide position 59. The proline at codon 20 is replaced by arginine, an amino acid with dissimilar properties. This amino acid position is not well conserved in available vertebrate species. In addition, this alteration is predicted to be tolerated by in silico analysis. Since supporting evidence is limited at this time, the clinical significance of this alteration remains unclear.

NM_000465.4(BARD1):c.59C>G (p.Pro20Arg)

Gene: BARD1 (BRCA1 associated RING domain 1; minus strand). Cytogenetic location: 2q35.
Variant type: single nucleotide variant.
Coding change: c.59C>G on transcript NM_000465.4 (MANE Select); coding-DNA position 59, C replaced by G.
Protein change: p.Pro20Arg; replaces proline 20 with arginine.
Molecular consequence: missense variant. On other transcripts: non-coding transcript variant (3).
Genome position (GRCh38, 1-based): chr2:214,809,511, G>C on the plus strand (C>G on the coding strand, the complement: BARD1 is on the minus strand). VCF-style: chr2-214809511-G-C. GRCh37 (hg19) VCF-style: chr2-215674235-G-C.
Other names: c.59C>G, p.Pro20Arg (NM_001282543.2, NM_001282545.2, NM_001282548.2 and 1 more transcripts); short protein forms P20R.
Identifiers: ClinVar variation 826107 (VCV000826107.11), dbSNP rs753686197, ClinGen allele CA350465220.